The following is an entry in ClinVar:

NM_000302.4(PLOD1):c.1470+2T>C

Gene: PLOD1 (procollagen-lysine,2-oxoglutarate 5-dioxygenase 1; plus strand). Cytogenetic location: 1p36.22.
Variant type: single nucleotide variant.
Coding change: c.1470+2T>C on transcript NM_000302.4 (MANE Select); the canonical splice donor site of the intron after coding-DNA position 1470, T replaced by C.
Molecular consequence: splice donor variant.
Genome position (GRCh38, 1-based): chr1:11,964,787, T>C. VCF-style: chr1-11964787-T-C. GRCh37 (hg19) VCF-style: chr1-12024844-T-C.
Other names: c.1611+2T>C (NM_001316320.2).
Identifiers: ClinVar variation 288528 (VCV000288528.12), dbSNP rs886043927, ClinGen allele CA10606122.

ClinVar aggregate classification (germline): Pathogenic/Likely pathogenic. Review status: criteria provided, multiple submitters, no conflicts (2 of 4 stars). 2 submissions from 2 submitters: Pathogenic (1); Likely pathogenic (1). Last evaluated 2019-12-13.

Conditions:
Ehlers-Danlos syndrome, kyphoscoliotic type 1 (EDSKSCL1). Also called: EHLERS-DANLOS SYNDROME, OCULAR-SCOLIOTIC TYPE; Ehlers-Danlos syndrome, hydroxylysine-deficient; EHLERS-DANLOS SYNDROME, TYPE VIA; PLOD1-Related Kyphoscoliotic Ehlers-Danlos Syndrome. Identifiers: Orphanet 1900, MedGen C0268342, MONDO:0016002, OMIM 225400. Disease mechanism: loss of function.

Allele frequency attached by ClinVar (database versions not stated): gnomAD exomes below 0.00001 and 0.00001; TOPMed below 0.00001.
gnomAD v4.1: 8 of 1,611,316 alleles (0.0005%); highest among the groups gnomAD compares: Non-Finnish European, 0.00068%; no homozygotes.

Submissions (2):

Labcorp Genetics (formerly Invitae), Labcorp
Classification: Likely pathogenic for Ehlers-Danlos syndrome, kyphoscoliotic type 1. Last evaluated: 2019-12-13. Review status: criteria provided, single submitter. Criteria: Invitae Variant Classification Sherloc (09022015). Collection method: clinical testing. Allele origin: germline.
Comment: This sequence change affects a donor splice site in intron 13 of the PLOD1 gene. It is expected to disrupt RNA splicing and likely results in an absent or disrupted protein product. In summary, the currently available evidence indicates that the variant is pathogenic, but additional data are needed to prove that conclusively. Therefore, this variant has been classified as Likely Pathogenic. Donor and acceptor splice site variants typically lead to a loss of protein function (PMID: 16199547), and loss-of-function variants in PLOD1 are known to be pathogenic (PMID: 10874315, 21699693). This variant has not been reported in the literature in individuals with PLOD1-related conditions. ClinVar contains an entry for this variant (Variation ID: 288528). This variant is not present in population databases (ExAC no frequency).

Eurofins Ntd Llc (ga)
Classification: Pathogenic. Last evaluated: 2016-06-08. Review status: criteria provided, single submitter. Criteria: EGL Classification Definitions 2015. Collection method: clinical testing. Allele origin: germline. Observed: 1 variant allele, 1 heterozygote.

Literature cited by the submitters: PubMed 16199547 (cited by Labcorp Genetics (formerly Invitae), Labcorp); PubMed 10874315 (cited by Labcorp Genetics (formerly Invitae), Labcorp); PubMed 21699693 (cited by Labcorp Genetics (formerly Invitae), Labcorp).